The following is an entry in ClinVar:

NM_020975.6(RET):c.1899G>A (p.Leu633=)

Gene: RET (ret proto-oncogene; plus strand). Cytogenetic location: 10q11.21.
Variant type: single nucleotide variant.
Coding change: c.1899G>A on transcript NM_020975.6 (MANE Select); coding-DNA position 1899, G replaced by A.
Protein change: p.Leu633=; no amino-acid change (leucine 633 retained).
Molecular consequence: synonymous variant. On other transcripts: intron variant (4).
Genome position (GRCh38, 1-based): chr10:43,114,499, G>A. VCF-style: chr10-43114499-G-A. GRCh37 (hg19) VCF-style: chr10-43609947-G-A.
Other names: c.1899G>A, p.Leu633= (NM_000323.2, NM_001406743.1, NM_001406744.1 and 4 more transcripts); c.1137G>A, p.Leu379= (NM_001355216.2); c.1770G>A, p.Leu590= (NM_001406761.1, NM_001406762.1, NM_001406764.1); c.1611G>A, p.Leu537= (NM_001406766.1, NM_001406767.1, NM_001406770.1); c.1503G>A, p.Leu501= (NM_001406769.1, NM_001406772.1); c.1461G>A, p.Leu487= (NM_001406771.1, NM_001406773.1); c.1374G>A, p.Leu458= (NM_001406774.1); c.1173G>A, p.Leu391= (NM_001406775.1, NM_001406776.1, NM_001406777.1 and 1 more transcripts); and 10 more.
Identifiers: ClinVar variation 1782223 (VCV001782223.6), dbSNP rs1347379637, ClinGen allele CA469479583.

ClinVar aggregate classification (germline): Benign/Likely benign. Review status: criteria provided, multiple submitters, no conflicts (2 of 4 stars). 3 submissions from 3 submitters: Benign (1); Likely benign (2). Last evaluated 2025-02-26.

Conditions:
Hereditary cancer-predisposing syndrome. Also called: Neoplastic Syndromes, Hereditary; Tumor predisposition; Hereditary Cancer Syndrome; Hereditary neoplastic syndrome. Identifiers: Orphanet 140162, MedGen C0027672, MeSH D009386, MONDO:0015356.
Multiple endocrine neoplasia, type 2 (MEN2). Identifiers: Orphanet 653, MedGen C4048306, MONDO:0019003. Disease mechanism: gain of function.
Multiple endocrine neoplasia type 2A. Also called: Multiple Endocrine Neoplasia Type 2A (MEN2A); MULTIPLE ENDOCRINE NEOPLASIA, TYPE IIA; PTC SYNDROME; SIPPLE SYNDROME; MEN 2A; MEN-2A syndrome. Identifiers: Orphanet 247698, Orphanet 653, MedGen C0025268, MeSH D018813, MONDO:0008234, OMIM 171400.

Allele frequency attached by ClinVar (database versions not stated): gnomAD exomes below 0.00001; TOPMed below 0.00001; gnomAD 0.00001.
gnomAD v4.1: 4 of 1,607,570 alleles (0.00025%); highest among the groups gnomAD compares: Admixed American, 0.0017%; no homozygotes.

Submissions (3):

Myriad Genetics, Inc.
Classification: Benign for Multiple endocrine neoplasia type 2A. Last evaluated: 2025-02-26. Review status: criteria provided, single submitter. Criteria: Myriad Autosomal Dominant, Autosomal Recessive and X-Linked Classification Criteria (2023). Collection method: clinical testing. Allele origin: unknown.
Comment: This variant is considered benign. This variant is a silent/synonymous amino acid change and it is not expected to impact splicing.

Labcorp Genetics (formerly Invitae), Labcorp
Classification: Likely benign for Multiple endocrine neoplasia, type 2. Last evaluated: 2023-01-17. Review status: criteria provided, single submitter. Criteria: Invitae Variant Classification Sherloc (09022015). Collection method: clinical testing. Allele origin: germline.

Ambry Genetics
Classification: Likely benign for Hereditary cancer-predisposing syndrome. Last evaluated: 2021-10-04. Review status: criteria provided, single submitter. Criteria: Ambry Variant Classification Scheme 2023. Collection method: clinical testing. Allele origin: germline.